The following is an entry in ClinVar:

ClinVar aggregate classification (germline): Uncertain significance. Review status: criteria provided, multiple submitters, no conflicts (2 of 4 stars). 2 submissions from 2 submitters: Uncertain significance (2). Last evaluated 2025-09-28.

Conditions:
Inborn genetic diseases. Identifiers: MedGen C0950123, MeSH D030342.
Baller-Gerold syndrome (BGS). Also called: CRANIOSYNOSTOSIS WITH RADIAL DEFECTS. Identifiers: Orphanet 1225, MedGen C0265308, MONDO:0009039, OMIM 218600.

Allele frequency attached by ClinVar (database versions not stated): gnomAD exomes below 0.00001; gnomAD 0.00001; TOPMed 0.00002.

Submissions (2):

Labcorp Genetics (formerly Invitae), Labcorp
Classification: Uncertain significance for Baller-Gerold syndrome. Last evaluated: 2025-09-28. Review status: criteria provided, single submitter. Criteria: Invitae Variant Classification Sherloc (09022015). Collection method: clinical testing. Allele origin: germline.
Comment: This sequence change replaces arginine, which is basic and polar, with glycine, which is neutral and non-polar, at codon 372 of the RECQL4 protein (p.Arg372Gly). This variant is not present in population databases (gnomAD no frequency). This variant has not been reported in the literature in individuals affected with RECQL4-related conditions. ClinVar contains an entry for this variant (Variation ID: 649186). Invitae Evidence Modeling of protein sequence and biophysical properties (such as structural, functional, and spatial information, amino acid conservation, physicochemical variation, residue mobility, and thermodynamic stability) indicates that this missense variant is not expected to disrupt RECQL4 protein function with a negative predictive value of 80%. In summary, the available evidence is currently insufficient to determine the role of this variant in disease. Therefore, it has been classified as a Variant of Uncertain Significance.

Ambry Genetics
Classification: Uncertain significance for Inborn genetic diseases. Last evaluated: 2025-04-11. Review status: criteria provided, single submitter. Criteria: Ambry Variant Classification Scheme 2023. Collection method: clinical testing. Allele origin: germline.
Comment: The p.R372G variant (also known as c.1114A>G), located in coding exon 5 of the RECQL4 gene, results from an A to G substitution at nucleotide position 1114. The arginine at codon 372 is replaced by glycine, an amino acid with dissimilar properties. This amino acid position is conserved. In addition, the in silico prediction for this alteration is inconclusive. Based on the available evidence, the clinical significance of this variant remains unclear.

NM_004260.4(RECQL4):c.1114A>G (p.Arg372Gly)

Gene: RECQL4 (RecQ like helicase 4; minus strand). Cytogenetic location: 8q24.3.
Variant type: single nucleotide variant.
Coding change: c.1114A>G on transcript NM_004260.4 (MANE Select); coding-DNA position 1114, A replaced by G.
Protein change: p.Arg372Gly; replaces arginine 372 with glycine.
Molecular consequence: missense variant.
Genome position (GRCh38, 1-based): chr8:144,516,005, T>C on the plus strand (A>G on the coding strand, the complement: RECQL4 is on the minus strand). VCF-style: chr8-144516005-T-C. GRCh37 (hg19) VCF-style: chr8-145741389-T-C.
Other names: short protein forms R372G.
Identifiers: ClinVar variation 649186 (VCV000649186.6), dbSNP rs1042662106, ClinGen allele CA187688285.